The following is an entry in ClinVar:

NM_006073.4(TRDN):c.1534C>T (p.Pro512Ser)

Gene: TRDN (triadin; minus strand). Cytogenetic location: 6q22.31.
Variant type: single nucleotide variant.
Coding change: c.1534C>T on transcript NM_006073.4 (MANE Select); coding-DNA position 1534, C replaced by T.
Protein change: p.Pro512Ser; replaces proline 512 with serine.
Molecular consequence: missense variant.
Genome position (GRCh38, 1-based): chr6:123,279,059, G>A on the plus strand (C>T on the coding strand, the complement: TRDN is on the minus strand). VCF-style: chr6-123279059-G-A. GRCh37 (hg19) VCF-style: chr6-123600204-G-A.
Other names: short protein forms P512S.
Identifiers: ClinVar variation 2121278 (VCV002121278.4), dbSNP rs2533573905, ClinGen allele CA365565827.
Genomic context (GRCh38, chr6:123,279,059, plus strand): 5'-TTTATGTATGTATGTACATATGTACGTGTTTGTTTATTGAGCATGCATATAACATACGTG[G>A]AGGTTTAGGCTTGACTTCTTTGCCTAGAAAAAAGTAAAAAAATTATTAAAGGCTGAGTCA-3'
Protein context (NP_006064.2, residues 502-522): KAGKEVKPKP[Pro512Ser]QLQGKKEEKP

ClinVar aggregate classification (germline): Uncertain significance (1 of 4 stars; one submission).

Conditions:
Catecholaminergic polymorphic ventricular tachycardia 1. Also called: VENTRICULAR TACHYCARDIA, CATECHOLAMINERGIC POLYMORPHIC, 1, WITH OR WITHOUT ATRIAL DYSFUNCTION AND/OR DILATED CARDIOMYOPATHY; RYR2-Related Catecholaminergic Polymorphic Ventricular Tachycardia; VENTRICULAR TACHYCARDIA, STRESS-INDUCED POLYMORPHIC 1. Identifiers: Orphanet 3286, MedGen C1631597, MONDO:0011484, OMIM 604772.

gnomAD v4.1: 1 of 1,608,990 alleles (0.000062%); highest among the groups gnomAD compares: Non-Finnish European, 0.000085%; no homozygotes.

Submission:

Labcorp Genetics (formerly Invitae), Labcorp
Classification: Uncertain significance for Catecholaminergic polymorphic ventricular tachycardia 1. Last evaluated: 2022-04-04. Review status: criteria provided, single submitter. Criteria: Invitae Variant Classification Sherloc (09022015). Collection method: clinical testing. Allele origin: germline.
Comment: This variant is not present in population databases (gnomAD no frequency). This sequence change replaces proline, which is neutral and non-polar, with serine, which is neutral and polar, at codon 512 of the TRDN protein (p.Pro512Ser). This variant has not been reported in the literature in individuals affected with TRDN-related conditions. In summary, the available evidence is currently insufficient to determine the role of this variant in disease. Therefore, it has been classified as a Variant of Uncertain Significance. Algorithms developed to predict the effect of missense changes on protein structure and function are either unavailable or do not agree on the potential impact of this missense change (SIFT: "Tolerated"; PolyPhen-2: "Probably Damaging"; Align-GVGD: "Class C0").